The following is an entry in ClinVar:

ClinVar aggregate classification (germline): Uncertain significance (1 of 4 stars; one submission).

Allele frequency attached by ClinVar (database versions not stated): gnomAD exomes 0.00001.
gnomAD v4.1: 9 of 1,614,096 alleles (0.00056%); highest among the groups gnomAD compares: Admixed American, 0.01%; no homozygotes.

Submission:

Labcorp Genetics (formerly Invitae), Labcorp
Classification: Uncertain significance. Last evaluated: 2023-11-19. Review status: criteria provided, single submitter. Criteria: Invitae Variant Classification Sherloc (09022015). Collection method: clinical testing. Allele origin: germline.
Comment: This sequence change replaces alanine, which is neutral and non-polar, with valine, which is neutral and non-polar, at codon 395 of the DIP2C protein (p.Ala395Val). This variant is not present in population databases (gnomAD no frequency). This variant has not been reported in the literature in individuals affected with DIP2C-related conditions. ClinVar contains an entry for this variant (Variation ID: 1937609). An algorithm developed to predict the effect of missense changes on protein structure and function (PolyPhen-2) suggests that this variant is likely to be disruptive. In summary, the available evidence is currently insufficient to determine the role of this variant in disease. Therefore, it has been classified as a Variant of Uncertain Significance.

NM_014974.3(DIP2C):c.1184C>T (p.Ala395Val)

Gene: DIP2C (DIP2 acetate--CoA ligase C (putative); minus strand). Cytogenetic location: 10p15.3.
Variant type: single nucleotide variant.
Coding change: c.1184C>T on transcript NM_014974.3 (MANE Select); coding-DNA position 1184, C replaced by T.
Protein change: p.Ala395Val; replaces alanine 395 with valine.
Molecular consequence: missense variant.
Genome position (GRCh38, 1-based): chr10:399,185, G>A on the plus strand (C>T on the coding strand, the complement: DIP2C is on the minus strand). VCF-style: chr10-399185-G-A. GRCh37 (hg19) VCF-style: chr10-445125-G-A.
Other names: short protein forms A395V.
Identifiers: ClinVar variation 1937609 (VCV001937609.5), dbSNP rs777201781, ClinGen allele CA201917920.